The following is an entry in ClinVar:

NM_001205293.3(CACNA1E):c.5474G>T (p.Gly1825Val)

Gene: CACNA1E (calcium voltage-gated channel subunit alpha1 E; plus strand). Cytogenetic location: 1q25.3.
Variant type: single nucleotide variant.
Coding change: c.5474G>T on transcript NM_001205293.3 (MANE Select); coding-DNA position 5474, G replaced by T.
Protein change: p.Gly1825Val; replaces glycine 1825 with valine.
Molecular consequence: missense variant.
Genome position (GRCh38, 1-based): chr1:181,784,664, G>T. VCF-style: chr1-181784664-G-T. GRCh37 (hg19) VCF-style: chr1-181753800-G-T.
Other names: c.5474G>T, p.Gly1825Val (NM_000721.4); c.5417G>T, p.Gly1806Val (NM_001205294.2); short protein forms G1806V, G1825V.
Identifiers: ClinVar variation 1513454 (VCV001513454.8), dbSNP rs2102841237, ClinGen allele CA343630968.

ClinVar aggregate classification (germline): Uncertain significance (1 of 4 stars; one submission).

Allele frequency attached by ClinVar (database versions not stated): gnomAD exomes below 0.00001.
gnomAD v4.1: 1 of 1,565,984 alleles (0.000064%); highest among the groups gnomAD compares: Non-Finnish European, 0.000087%; no homozygotes.

Submission:

Labcorp Genetics (formerly Invitae), Labcorp
Classification: Uncertain significance. Last evaluated: 2022-08-16. Review status: criteria provided, single submitter. Criteria: Invitae Variant Classification Sherloc (09022015). Collection method: clinical testing. Allele origin: germline.
Comment: In summary, the available evidence is currently insufficient to determine the role of this variant in disease. Therefore, it has been classified as a Variant of Uncertain Significance. Algorithms developed to predict the effect of missense changes on protein structure and function are either unavailable or do not agree on the potential impact of this missense change (SIFT: "Deleterious"; PolyPhen-2: "Probably Damaging"; Align-GVGD: "Class C0"). ClinVar contains an entry for this variant (Variation ID: 1513454). This variant has not been reported in the literature in individuals affected with CACNA1E-related conditions. This variant is not present in population databases (gnomAD no frequency). This sequence change replaces glycine, which is neutral and non-polar, with valine, which is neutral and non-polar, at codon 1825 of the CACNA1E protein (p.Gly1825Val).